The following is an entry in ClinVar:

ClinVar aggregate classification (germline): Uncertain significance (1 of 4 stars; one submission).

Submission:

Labcorp Genetics (formerly Invitae), Labcorp
Classification: Uncertain significance. Last evaluated: 2021-10-16. Review status: criteria provided, single submitter. Criteria: Invitae Variant Classification Sherloc (09022015). Collection method: clinical testing. Allele origin: germline.
Comment: This sequence change replaces proline with threonine at codon 151 of the EXTL3 protein (p.Pro151Thr). The proline residue is highly conserved and there is a small physicochemical difference between proline and threonine. This variant is not present in population databases (ExAC no frequency). This variant has not been reported in the literature in individuals affected with EXTL3-related conditions. Algorithms developed to predict the effect of missense changes on protein structure and function are either unavailable or do not agree on the potential impact of this missense change (SIFT: "Tolerated"; PolyPhen-2: "Probably Damaging"; Align-GVGD: "Class C0"). In summary, the available evidence is currently insufficient to determine the role of this variant in disease. Therefore, it has been classified as a Variant of Uncertain Significance.

NM_001440.4(EXTL3):c.451C>A (p.Pro151Thr)

Gene: EXTL3 (exostosin like glycosyltransferase 3; plus strand). Cytogenetic location: 8p21.1.
Variant type: single nucleotide variant.
Coding change: c.451C>A on transcript NM_001440.4 (MANE Select); coding-DNA position 451, C replaced by A.
Protein change: p.Pro151Thr; replaces proline 151 with threonine.
Molecular consequence: missense variant.
Genome position (GRCh38, 1-based): chr8:28,716,510, C>A. VCF-style: chr8-28716510-C-A. GRCh37 (hg19) VCF-style: chr8-28574027-C-A.
Other names: short protein forms P151T.
Identifiers: ClinVar variation 1466909 (VCV001466909.6), dbSNP rs1801150930, ClinGen allele CA370856348.